The following is an entry in ClinVar:

NM_001145860.2(POP1):c.194C>G (p.Ser65Cys)

Gene: POP1 (POP1 homolog, ribonuclease P/MRP subunit; plus strand). Cytogenetic location: 8q22.2.
Variant type: single nucleotide variant.
Coding change: c.194C>G on transcript NM_001145860.2 (MANE Select); coding-DNA position 194, C replaced by G.
Protein change: p.Ser65Cys; replaces serine 65 with cysteine.
Molecular consequence: missense variant.
Genome position (GRCh38, 1-based): chr8:98,127,646, C>G. VCF-style: chr8-98127646-C-G. GRCh37 (hg19) VCF-style: chr8-99139874-C-G.
Other names: c.194C>G, p.Ser65Cys (NM_001145861.2, NM_015029.3); short protein forms S65C.
Identifiers: ClinVar variation 1410157 (VCV001410157.3), dbSNP rs148625494, ClinGen allele CA4820258.

ClinVar aggregate classification (germline): Uncertain significance (1 of 4 stars; one submission).

Allele frequency attached by ClinVar (database versions not stated): ExAC 0.00015; TOPMed 0.00048; ESP Exome Variant Server 0.00054; 1000 Genomes Project 0.00080; 1000 Genomes Project 30x 0.00094.

Submission:

Labcorp Genetics (formerly Invitae), Labcorp
Classification: Uncertain significance. Last evaluated: 2022-08-20. Review status: criteria provided, single submitter. Criteria: Invitae Variant Classification Sherloc (09022015). Collection method: clinical testing. Allele origin: germline.
Comment: This sequence change replaces serine, which is neutral and polar, with cysteine, which is neutral and slightly polar, at codon 65 of the POP1 protein (p.Ser65Cys). This variant is present in population databases (rs148625494, gnomAD 0.2%). This variant has not been reported in the literature in individuals affected with POP1-related conditions. ClinVar contains an entry for this variant (Variation ID: 1410157). Algorithms developed to predict the effect of missense changes on protein structure and function are either unavailable or do not agree on the potential impact of this missense change (SIFT: "Tolerated"; PolyPhen-2: "Possibly Damaging"; Align-GVGD: "Class C0"). In summary, the available evidence is currently insufficient to determine the role of this variant in disease. Therefore, it has been classified as a Variant of Uncertain Significance.